The following is an entry in ClinVar:

NM_000297.4(PKD2):c.144G>C (p.Glu48Asp)

Genes: PKD2 (polycystin 2, transient receptor potential cation channel; plus strand), LOC129992813 (ATAC-STARR-seq lymphoblastoid silent region 15559; plus strand). Cytogenetic location: 4q22.1.
Variant type: single nucleotide variant.
Coding change: c.144G>C on transcript NM_000297.4 (MANE Select); coding-DNA position 144, G replaced by C.
Protein change: p.Glu48Asp; replaces glutamic acid 48 with aspartic acid.
Molecular consequence: missense variant. On other transcripts: non-coding transcript variant (1).
Genome position (GRCh38, 1-based): chr4:88,007,877, G>C. VCF-style: chr4-88007877-G-C. GRCh37 (hg19) VCF-style: chr4-88929029-G-C.
Other names: short protein forms E48D.
Identifiers: ClinVar variation 2814947 (VCV002814947.3), dbSNP rs2476356948, ClinGen allele CA357625418.

ClinVar aggregate classification (germline): Uncertain significance (1 of 4 stars; one submission).

Conditions:
Autosomal dominant polycystic kidney disease. Identifiers: Orphanet 730, MedGen C0085413, MONDO:0004691.

Allele frequency attached by ClinVar (database versions not stated): gnomAD exomes below 0.00001.
gnomAD v4.1: 5 of 1,302,176 alleles (0.00038%); highest among the groups gnomAD compares: Non-Finnish European, 0.00049%; no homozygotes.

Submission:

Labcorp Genetics (formerly Invitae), Labcorp
Classification: Uncertain significance for Autosomal dominant polycystic kidney disease. Last evaluated: 2022-11-17. Review status: criteria provided, single submitter. Criteria: Invitae Variant Classification Sherloc (09022015). Collection method: clinical testing. Allele origin: germline.
Comment: Algorithms developed to predict the effect of missense changes on protein structure and function output the following: SIFT: "Tolerated"; PolyPhen-2: "Benign"; Align-GVGD: "Class C0". The aspartic acid amino acid residue is found in multiple mammalian species, which suggests that this missense change does not adversely affect protein function. This variant has not been reported in the literature in individuals affected with PKD2-related conditions. This variant is not present in population databases (gnomAD no frequency). This sequence change replaces glutamic acid, which is acidic and polar, with aspartic acid, which is acidic and polar, at codon 48 of the PKD2 protein (p.Glu48Asp). In summary, the available evidence is currently insufficient to determine the role of this variant in disease. Therefore, it has been classified as a Variant of Uncertain Significance.